The following is an entry in ClinVar:

NM_144687.4(NLRP12):c.844C>T (p.Leu282Phe)

Gene: NLRP12 (NLR family pyrin domain containing 12; minus strand). Cytogenetic location: 19q13.42.
Variant type: single nucleotide variant.
Coding change: c.844C>T on transcript NM_144687.4 (MANE Select); coding-DNA position 844, C replaced by T.
Protein change: p.Leu282Phe; replaces leucine 282 with phenylalanine.
Molecular consequence: missense variant.
Genome position (GRCh38, 1-based): chr19:53,810,815, G>A on the plus strand (C>T on the coding strand, the complement: NLRP12 is on the minus strand). VCF-style: chr19-53810815-G-A. GRCh37 (hg19) VCF-style: chr19-54314069-G-A.
Other names: c.844C>T, p.Leu282Phe (NM_001277126.2, NM_001277129.1); short protein forms L282F.
Identifiers: ClinVar variation 4774275 (VCV004774275.1).

ClinVar aggregate classification (germline): Uncertain significance (1 of 4 stars; one submission).

Conditions:
Familial cold autoinflammatory syndrome 2 (FCAS2). Identifiers: Orphanet 247868, MedGen C2673198, MONDO:0012724, OMIM 611762.

Submission:

Labcorp Genetics (formerly Invitae), Labcorp
Classification: Uncertain significance for Familial cold autoinflammatory syndrome 2. Last evaluated: 2025-07-29. Review status: criteria provided, single submitter. Criteria: Invitae Variant Classification Sherloc (09022015). Collection method: clinical testing. Allele origin: germline.
Comment: This sequence change replaces leucine, which is neutral and non-polar, with phenylalanine, which is neutral and non-polar, at codon 282 of the NLRP12 protein (p.Leu282Phe). This variant is not present in population databases (gnomAD no frequency). This variant has not been reported in the literature in individuals affected with NLRP12-related conditions. Invitae Evidence Modeling of protein sequence and biophysical properties (such as structural, functional, and spatial information, amino acid conservation, physicochemical variation, residue mobility, and thermodynamic stability) has been performed for this missense variant. However, the output from this modeling did not meet the statistical confidence thresholds required to predict the impact of this variant on NLRP12 protein function. In summary, the available evidence is currently insufficient to determine the role of this variant in disease. Therefore, it has been classified as a Variant of Uncertain Significance.